The following is an entry in ClinVar:

NM_000090.4(COL3A1):c.852+3A>G

Gene: COL3A1 (collagen type III alpha 1 chain; plus strand). Cytogenetic location: 2q32.2.
Variant type: single nucleotide variant.
Coding change: c.852+3A>G on transcript NM_000090.4 (MANE Select); 3 bases into the intron after coding-DNA position 852, A replaced by G.
Molecular consequence: intron variant.
Genome position (GRCh38, 1-based): chr2:188,991,060, A>G. VCF-style: chr2-188991060-A-G. GRCh37 (hg19) VCF-style: chr2-189855786-A-G.
Identifiers: ClinVar variation 2744605 (VCV002744605.3), dbSNP rs2469120524, ClinGen allele CA2555965378.

ClinVar aggregate classification (germline): Uncertain significance (1 of 4 stars; one submission).

Conditions:
Ehlers-Danlos syndrome, type 4 (EDSVASC). Also called: Ehlers-Danlos Syndrome Type IV; Ehlers-Danlos syndrome vascular type; Ehlers Danlos syndrome, ecchymotic type; Ehlers Danlos syndrome, arterial type; Ehlers Danlos syndrome, Sack-Barabas type. Identifiers: Orphanet 286, MedGen C0268338, MONDO:0017314, OMIM 130050.

Submission:

Labcorp Genetics (formerly Invitae), Labcorp
Classification: Uncertain significance for Ehlers-Danlos syndrome, type 4. Last evaluated: 2023-11-08. Review status: criteria provided, single submitter. Criteria: Invitae Variant Classification Sherloc (09022015). Collection method: clinical testing. Allele origin: germline.
Comment: This sequence change falls in intron 11 of the COL3A1 gene. It does not directly change the encoded amino acid sequence of the COL3A1 protein. It affects a nucleotide within the consensus splice site. This variant is not present in population databases (gnomAD no frequency). This variant has not been reported in the literature in individuals affected with COL3A1-related conditions. Variants that disrupt the consensus splice site are a relatively common cause of aberrant splicing (PMID: 17576681, 9536098). Algorithms developed to predict the effect of sequence changes on RNA splicing suggest that this variant is not likely to affect RNA splicing. In summary, the available evidence is currently insufficient to determine the role of this variant in disease. Therefore, it has been classified as a Variant of Uncertain Significance.

Literature cited by the submitters: PubMed 17576681; PubMed 9536098.